The following is an entry in ClinVar:

ClinVar aggregate classification (germline): Uncertain significance. Review status: criteria provided, multiple submitters, no conflicts (2 of 4 stars). 2 submissions from 2 submitters: Uncertain significance (2). Last evaluated 2023-04-25.

Conditions:
Inborn genetic diseases. Identifiers: MedGen C0950123, MeSH D030342.

Allele frequency attached by ClinVar (database versions not stated): gnomAD exomes below 0.00001; gnomAD 0.00001; ESP Exome Variant Server 0.00009; TOPMed 0.00022.
gnomAD v4.1: 23 of 1,207,382 alleles (0.0019%); highest among the groups gnomAD compares: Non-Finnish European, 0.00067%; no homozygotes.

Submissions (2):

Ambry Genetics
Classification: Uncertain significance for Inborn genetic diseases. Last evaluated: 2023-04-25. Review status: criteria provided, single submitter. Criteria: Ambry Variant Classification Scheme 2023. Collection method: clinical testing. Allele origin: germline.

Labcorp Genetics (formerly Invitae), Labcorp
Classification: Uncertain significance. Last evaluated: 2023-01-20. Review status: criteria provided, single submitter. Criteria: Invitae Variant Classification Sherloc (09022015). Collection method: clinical testing. Allele origin: germline.
Comment: This variant has not been reported in the literature in individuals affected with OPHN1-related conditions. Algorithms developed to predict the effect of missense changes on protein structure and function (SIFT, PolyPhen-2, Align-GVGD) all suggest that this variant is likely to be tolerated. In summary, the available evidence is currently insufficient to determine the role of this variant in disease. Therefore, it has been classified as a Variant of Uncertain Significance. This variant is present in population databases (rs139638690, gnomAD 0.01%). This sequence change replaces leucine, which is neutral and non-polar, with phenylalanine, which is neutral and non-polar, at codon 673 of the OPHN1 protein (p.Leu673Phe).

NM_002547.3(OPHN1):c.2019G>C (p.Leu673Phe)

Gene: OPHN1 (oligophrenin 1; minus strand). Cytogenetic location: Xq12.
Variant type: single nucleotide variant.
Coding change: c.2019G>C on transcript NM_002547.3 (MANE Select); coding-DNA position 2019, G replaced by C.
Protein change: p.Leu673Phe; replaces leucine 673 with phenylalanine.
Molecular consequence: missense variant.
Genome position (GRCh38, 1-based): chrX:68,063,993, C>G on the plus strand (G>C on the coding strand, the complement: OPHN1 is on the minus strand). VCF-style: chrX-68063993-C-G. GRCh37 (hg19) VCF-style: chrX-67283835-C-G.
Other names: short protein forms L673F.
Identifiers: ClinVar variation 2540650 (VCV002540650.5), dbSNP rs139638690, ClinGen allele CA330807965.